The following is an entry in ClinVar:

NM_006231.4(POLE):c.1326G>A (p.Glu442=)

Gene: POLE (DNA polymerase epsilon, catalytic subunit; minus strand). Cytogenetic location: 12q24.33.
Variant type: single nucleotide variant.
Coding change: c.1326G>A on transcript NM_006231.4 (MANE Select); coding-DNA position 1326, G replaced by A.
Protein change: p.Glu442=; no amino-acid change (glutamic acid 442 retained).
Molecular consequence: synonymous variant.
Genome position (GRCh38, 1-based): chr12:132,673,608, C>T on the plus strand (G>A on the coding strand, the complement: POLE is on the minus strand). VCF-style: chr12-132673608-C-T. GRCh37 (hg19) VCF-style: chr12-133250194-C-T.
Identifiers: ClinVar variation 484545 (VCV000484545.24), dbSNP rs745411507, ClinGen allele CA6894005.
Genomic context (GRCh38, chr12:132,673,608, plus strand): 5'-GGGGCAGCCGGGATGTGGCTTACGTGCCTGGGGCTGCTCCGTGGCCATCCGGCACATGTC[C>T]TCCGGGTCTAGCTCCACGGGATCATAGCCTAGCTTGGCCTTGGCGGCCGCCTTGAGATTA-3'
Protein context (NP_006222.2, residues 432-452): LGYDPVELDP[Glu442=]DMCRMATEQP

ClinVar aggregate classification (germline): Benign/Likely benign. Review status: criteria provided, multiple submitters, no conflicts (2 of 4 stars). 5 submissions from 5 submitters: Benign (1); Likely benign (4). Last evaluated 2025-08-17.

Conditions:
Colorectal cancer, susceptibility to, 12 (CRCS12). Also called: COLORECTAL CANCER, SUSCEPTIBILITY TO, ON CHROMOSOME 12q24. Identifiers: Orphanet 220460, MedGen C3554460, MONDO:0014038, OMIM 615083.
Hereditary cancer-predisposing syndrome. Also called: Neoplastic Syndromes, Hereditary; Tumor predisposition; Hereditary Cancer Syndrome; Hereditary neoplastic syndrome. Identifiers: Orphanet 140162, MedGen C0027672, MeSH D009386, MONDO:0015356.

Allele frequency attached by ClinVar (database versions not stated): ExAC 0.00001; gnomAD 0.00001; gnomAD exomes 0.00001; TOPMed 0.00001.
gnomAD v4.1: 18 of 1,613,516 alleles (0.0011%); highest among the groups gnomAD compares: Non-Finnish European, 0.0014%; no homozygotes.

Submissions (5):

Labcorp Genetics (formerly Invitae), Labcorp
Classification: Likely benign. Last evaluated: 2025-08-17. Review status: criteria provided, single submitter. Criteria: Invitae Variant Classification Sherloc (09022015). Collection method: clinical testing. Allele origin: germline.

Quest Diagnostics Nichols Institute San Juan Capistrano
Classification: Likely benign. Last evaluated: 2025-07-02. Review status: criteria provided, single submitter. Criteria: Quest Diagnostics criteria. Collection method: clinical testing. Allele origin: unknown.

Center for Genomic Medicine, Rigshospitalet, Copenhagen University Hospital
Classification: Likely benign. Last evaluated: 2025-03-04. Review status: criteria provided, single submitter. Criteria: ACMG Guidelines, 2015. Collection method: clinical testing. Allele origin: germline.

Myriad Genetics, Inc.
Classification: Benign for Colorectal cancer, susceptibility to, 12. Last evaluated: 2025-02-10. Review status: criteria provided, single submitter. Criteria: Myriad Autosomal Dominant, Autosomal Recessive and X-Linked Classification Criteria (2023). Collection method: clinical testing. Allele origin: unknown.
Comment: This variant is considered benign. This variant is a silent/synonymous amino acid change and it is not expected to impact splicing.

Ambry Genetics
Classification: Likely benign for Hereditary cancer-predisposing syndrome. Last evaluated: 2016-08-05. Review status: criteria provided, single submitter. Criteria: Ambry Variant Classification Scheme 2023. Collection method: clinical testing. Allele origin: germline.